The following is an entry in ClinVar:

ClinVar aggregate classification (germline): Uncertain significance (1 of 4 stars; one submission).

gnomAD v4.1: 1 of 1,613,876 alleles (0.000062%); highest among the groups gnomAD compares: East Asian, 0.0022%; no homozygotes.

Submission:

Ambry Genetics
Classification: Uncertain significance. Last evaluated: 2023-02-18. Review status: criteria provided, single submitter. Criteria: Ambry Variant Classification Scheme 2023. Collection method: clinical testing. Allele origin: germline.
Comment: The p.K1057T variant (also known as c.3170A>C), located in coding exon 27 of the PRKDC gene, results from an A to C substitution at nucleotide position 3170. The lysine at codon 1057 is replaced by threonine, an amino acid with similar properties. This amino acid position is conserved. In addition, this alteration is predicted to be tolerated by in silico analysis. Since supporting evidence is limited at this time, the clinical significance of this alteration remains unclear.

NM_006904.7(PRKDC):c.3170A>C (p.Lys1057Thr)

Gene: PRKDC (protein kinase, DNA-activated, catalytic subunit; minus strand). Cytogenetic location: 8q11.21.
Variant type: single nucleotide variant.
Coding change: c.3170A>C on transcript NM_006904.7 (MANE Select); coding-DNA position 3170, A replaced by C.
Protein change: p.Lys1057Thr; replaces lysine 1057 with threonine.
Molecular consequence: missense variant.
Genome position (GRCh38, 1-based): chr8:47,902,668, T>G on the plus strand (A>C on the coding strand, the complement: PRKDC is on the minus strand). VCF-style: chr8-47902668-T-G. GRCh37 (hg19) VCF-style: chr8-48815228-T-G.
Other names: c.3170A>C, p.Lys1057Thr (NM_001081640.2); short protein forms K1057T.
Identifiers: ClinVar variation 2497400 (VCV002497400.2), dbSNP rs113191673, ClinGen allele CA176154160.